The following is an entry in ClinVar:

NM_001308210.2(TSHZ1):c.463_464dup (p.Thr157fs)

Gene: TSHZ1 (teashirt zinc finger homeobox 1; plus strand). Cytogenetic location: 18q22.3.
Variant type: Duplication.
Coding change: c.463_464dup on transcript NM_001308210.2 (MANE Select); coding-DNA positions 463 to 464, 2 bases duplicated (GC; older notation c.463_464dupGC).
Protein change: p.Thr157fs; shifts the reading frame from threonine 157.
Molecular consequence: frameshift variant.
Genome position (GRCh38, 1-based): chr18:75,285,870-75,285,871, GC duplicated; duplicating any 2 consecutive bases within chr18:75,285,869-75,285,871 gives the same sequence; the c. name uses the placement nearest the transcript's 3' end. VCF-style (leftmost placement, unchanged base first): chr18-75285868-C-CCG. GRCh37 (hg19) VCF-style: chr18-72997823-C-CCG.
Other names: c.328_329dup, p.Thr112fs (NM_005786.6); short protein forms T112fs, T157fs.
Identifiers: ClinVar variation 3780753 (VCV003780753.1).

ClinVar aggregate classification (germline): no classifications from unflagged records (0 of 4 stars; one submission).

Conditions:
Aural atresia, congenital (CAA). Also called: AURAL ATRESIA, CONGENITAL, WITH HYPOSMIA. Identifiers: MedGen C1842937, MONDO:0011921, OMIM 607842.

Submission:

Department of Pathology and Laboratory Medicine, Sinai Health System
Classification: Likely pathogenic for Aural atresia, congenital. Last evaluated: 2023-06-13. Review status: flagged submission. Criteria: ACMG Guidelines, 2015. Collection method: research. Allele origin: germline.
ClinVar note: Notes: Flagging candidate with reason of insufficient supporting evidence. This gene has been classified as having a limited gene-disease relationship by a ClinGen Expert Panel.
ClinVar note: Reason: P/LP classification for a variant in a gene with insufficient evidence for a gene-disease relationship